The following is an entry in ClinVar:

ClinVar aggregate classification (germline): Uncertain significance (1 of 4 stars; one submission).

Conditions:
Gastrointestinal stromal tumor. Also called: Gastrointestinal stromal tumor, somatic; Gastrointestinal stroma tumor. Identifiers: Orphanet 44890, MedGen C0238198, MeSH D046152, MONDO:0011719, OMIM 606764, HP:0100723.
Pheochromocytoma/paraganglioma syndrome 3. Also called: SDHC-Related Hereditary Paraganglioma-Pheochromocytoma Syndrome (Paragangliomas 3); SDHC-Related Hereditary Paraganglioma-Pheochromocytoma Syndrome; Paragangliomas 3; GLOMUS TUMORS, FAMILIAL, 3. Identifiers: Orphanet 29072, MedGen C1854336, MONDO:0011544, OMIM 605373.

Submission:

Labcorp Genetics (formerly Invitae), Labcorp
Classification: Uncertain significance for Pheochromocytoma/paraganglioma syndrome 3; Gastrointestinal stromal tumor. Last evaluated: 2023-07-24. Review status: criteria provided, single submitter. Criteria: Invitae Variant Classification Sherloc (09022015). Collection method: clinical testing. Allele origin: germline.
Comment: In summary, the available evidence is currently insufficient to determine the role of this variant in disease. Therefore, it has been classified as a Variant of Uncertain Significance. Algorithms developed to predict the effect of sequence changes on RNA splicing suggest that this variant may disrupt the consensus splice site. An algorithm developed to predict the effect of missense changes on protein structure and function (PolyPhen-2) suggests that this variant is likely to be tolerated. ClinVar contains an entry for this variant (Variation ID: 573349). This variant has not been reported in the literature in individuals affected with SDHC-related conditions. This variant is not present in population databases (gnomAD no frequency). This sequence change replaces arginine, which is basic and polar, with glycine, which is neutral and non-polar, at codon 40 of the SDHC protein (p.Arg40Gly).

NM_003001.5(SDHC):c.118C>G (p.Arg40Gly)

Gene: SDHC (succinate dehydrogenase complex subunit C; plus strand). Cytogenetic location: 1q23.3.
Variant type: single nucleotide variant.
Coding change: c.118C>G on transcript NM_003001.5 (MANE Select); coding-DNA position 118, C replaced by G.
Protein change: p.Arg40Gly; replaces arginine 40 with glycine.
Molecular consequence: missense variant. On other transcripts: non-coding transcript variant (1), intron variant (4).
Genome position (GRCh38, 1-based): chr1:161,328,436, C>G. VCF-style: chr1-161328436-C-G. GRCh37 (hg19) VCF-style: chr1-161298226-C-G.
Other names: c.118C>G, p.Arg40Gly (NM_001035511.3, NM_001407115.1); c.61C>G, p.Arg21Gly (NM_001407116.1, NM_001407117.1, NM_001407121.1); c.7C>G, p.Arg3Gly (NM_001407119.1, NM_001407120.1); c.77+4766C>G (NM_001035512.3, NM_001278172.3, NM_001407118.1); c.21-12158C>G (NM_001035513.3); short protein forms R40G, R3G, R21G.
Identifiers: ClinVar variation 573349 (VCV000573349.10), dbSNP rs978019587, ClinGen allele CA343361043.